The following is an entry in ClinVar:

ClinVar aggregate classification (germline): Uncertain significance. Review status: criteria provided, multiple submitters, no conflicts (2 of 4 stars). 2 submissions from 2 submitters: Uncertain significance (2). Last evaluated 2025-09-11.

Conditions:
Inborn genetic diseases. Identifiers: MedGen C0950123, MeSH D030342.

Submissions (2):

Ambry Genetics
Classification: Uncertain significance for Inborn genetic diseases. Last evaluated: 2025-09-11. Review status: criteria provided, single submitter. Criteria: Ambry Variant Classification Scheme 2023. Collection method: clinical testing. Allele origin: germline.

Labcorp Genetics (formerly Invitae), Labcorp
Classification: Uncertain significance. Last evaluated: 2025-07-06. Review status: criteria provided, single submitter. Criteria: Invitae Variant Classification Sherloc (09022015). Collection method: clinical testing. Allele origin: germline.
Comment: This sequence change replaces proline, which is neutral and non-polar, with leucine, which is neutral and non-polar, at codon 132 of the COL9A3 protein (p.Pro132Leu). This variant is present in population databases (no rsID available, gnomAD 0.004%). This variant has not been reported in the literature in individuals affected with COL9A3-related conditions. ClinVar contains an entry for this variant (Variation ID: 1369118). Invitae Evidence Modeling of protein sequence and biophysical properties (such as structural, functional, and spatial information, amino acid conservation, physicochemical variation, residue mobility, and thermodynamic stability) indicates that this missense variant is not expected to disrupt COL9A3 protein function with a negative predictive value of 95%. In summary, the available evidence is currently insufficient to determine the role of this variant in disease. Therefore, it has been classified as a Variant of Uncertain Significance.

NM_001853.4(COL9A3):c.395C>T (p.Pro132Leu)

Gene: COL9A3 (collagen type IX alpha 3 chain; plus strand). Cytogenetic location: 20q13.33.
Variant type: single nucleotide variant.
Coding change: c.395C>T on transcript NM_001853.4 (MANE Select); coding-DNA position 395, C replaced by T.
Protein change: p.Pro132Leu; replaces proline 132 with leucine.
Molecular consequence: missense variant.
Genome position (GRCh38, 1-based): chr20:62,821,782, C>T. VCF-style: chr20-62821782-C-T. GRCh37 (hg19) VCF-style: chr20-61453134-C-T.
Other names: c.395C>T (NM_001853.3); short protein forms P132L.
Identifiers: ClinVar variation 1369118 (VCV001369118.7), dbSNP rs751776191, ClinGen allele CA317325310.